The following is an entry in ClinVar:

NM_006514.4(SCN10A):c.4127C>T (p.Ala1376Val)

Gene: SCN10A (sodium voltage-gated channel alpha subunit 10; minus strand). Cytogenetic location: 3p22.2.
Variant type: single nucleotide variant.
Coding change: c.4127C>T on transcript NM_006514.4 (MANE Select); coding-DNA position 4127, C replaced by T.
Protein change: p.Ala1376Val; replaces alanine 1376 with valine.
Molecular consequence: missense variant.
Genome position (GRCh38, 1-based): chr3:38,710,860, G>A on the plus strand (C>T on the coding strand, the complement: SCN10A is on the minus strand). VCF-style: chr3-38710860-G-A. GRCh37 (hg19) VCF-style: chr3-38752351-G-A.
Other names: c.4124C>T, p.Ala1375Val (NM_001293306.2); c.3833C>T, p.Ala1278Val (NM_001293307.2); short protein forms A1376V, A1278V, A1375V.
Identifiers: ClinVar variation 1738049 (VCV001738049.3), dbSNP rs2470596783, ClinGen allele CA352150164.
Genomic context (GRCh38, chr3:38,710,860, plus strand): 5'-ATGCACAGAGGGGAAGGCTGTAGGGACAGTGGGCTGAGACTCACCTCCCGGGAATCAACA[G>A]CTGCATACATAATGTCCATCCAGCCTTTAAAGGTTGCCTGGAGACAAGGAGCAGAGGCCA-3'
Protein context (NP_006505.4, residues 1366-1386): FKGWMDIMYA[Ala1376Val]VDSREVNMQP

ClinVar aggregate classification (germline): Uncertain significance. Review status: criteria provided, multiple submitters, no conflicts (2 of 4 stars). 2 submissions from 2 submitters: Uncertain significance (2). Last evaluated 2024-03-25.

Conditions:
Cardiovascular phenotype. Identifiers: MedGen CN230736.

Submissions (2):

GeneDx
Classification: Uncertain significance. Last evaluated: 2024-03-25. Review status: criteria provided, single submitter. Criteria: GeneDx Variant Classification Process June 2021. Collection method: clinical testing. Allele origin: germline. Affected: yes.
Comment: Not observed at significant frequency in large population cohorts (gnomAD); In silico analysis supports that this missense variant has a deleterious effect on protein structure/function; Has not been previously published as pathogenic or benign to our knowledge

Ambry Genetics
Classification: Uncertain significance for Cardiovascular phenotype. Last evaluated: 2022-09-13. Review status: criteria provided, single submitter. Criteria: Ambry Variant Classification Scheme 2023. Collection method: clinical testing. Allele origin: germline.
Comment: The p.A1376V variant (also known as c.4127C>T), located in coding exon 23 of the SCN10A gene, results from a C to T substitution at nucleotide position 4127. The alanine at codon 1376 is replaced by valine, an amino acid with similar properties. This amino acid position is conserved. In addition, this alteration is predicted to be deleterious by in silico analysis. Since supporting evidence is limited at this time, the clinical significance of this alteration remains unclear.